The following is an entry in ClinVar:

ClinVar aggregate classification (germline): Uncertain significance (1 of 4 stars; one submission).

Conditions:
Charcot-Marie-Tooth disease axonal type 2S. Also called: CHARCOT-MARIE-TOOTH NEUROPATHY, TYPE 2S; CHARCOT-MARIE-TOOTH DISEASE, AXONAL, AUTOSOMAL RECESSIVE, TYPE 2S. Identifiers: Orphanet 443073, MedGen C4015349, MONDO:0014511, OMIM 616155.
Autosomal recessive distal spinal muscular atrophy 1. Also called: SEVERE INFANTILE AXONAL NEUROPATHY WITH RESPIRATORY FAILURE; SPINAL MUSCULAR ATROPHY, DIAPHRAGMATIC; Spinal muscular atrophy with respiratory distress 1; HMN VI; NEURONOPATHY, DISTAL HEREDITARY MOTOR, HARDING TYPE VI; NEUROPATHY, DISTAL HEREDITARY MOTOR, AUTOSOMAL RECESSIVE 1. Identifiers: Orphanet 98920, MedGen C1858517, MONDO:0011436, OMIM 604320.

Allele frequency attached by ClinVar (database versions not stated): gnomAD 0.00001; gnomAD exomes 0.00001 and 0.00002; TOPMed 0.00001; ExAC 0.00003.

Submission:

Labcorp Genetics (formerly Invitae), Labcorp
Classification: Uncertain significance for Autosomal recessive distal spinal muscular atrophy 1; Charcot-Marie-Tooth disease axonal type 2S. Last evaluated: 2022-08-31. Review status: criteria provided, single submitter. Criteria: Invitae Variant Classification Sherloc (09022015). Collection method: clinical testing. Allele origin: germline.
Comment: This sequence change replaces arginine, which is basic and polar, with glutamine, which is neutral and polar, at codon 679 of the IGHMBP2 protein (p.Arg679Gln). This variant is present in population databases (rs767422655, gnomAD 0.006%). This variant has not been reported in the literature in individuals affected with IGHMBP2-related conditions. ClinVar contains an entry for this variant (Variation ID: 845281). Advanced modeling of protein sequence and biophysical properties (such as structural, functional, and spatial information, amino acid conservation, physicochemical variation, residue mobility, and thermodynamic stability) performed at Invitae indicates that this missense variant is not expected to disrupt IGHMBP2 protein function. In summary, the available evidence is currently insufficient to determine the role of this variant in disease. Therefore, it has been classified as a Variant of Uncertain Significance.

NM_002180.3(IGHMBP2):c.2036G>A (p.Arg679Gln)

Gene: IGHMBP2 (immunoglobulin mu DNA binding protein 2; plus strand). Cytogenetic location: 11q13.3.
Variant type: single nucleotide variant.
Coding change: c.2036G>A on transcript NM_002180.3 (MANE Select); coding-DNA position 2036, G replaced by A.
Protein change: p.Arg679Gln; replaces arginine 679 with glutamine.
Molecular consequence: missense variant.
Genome position (GRCh38, 1-based): chr11:68,936,516, G>A. VCF-style: chr11-68936516-G-A. GRCh37 (hg19) VCF-style: chr11-68703984-G-A.
Other names: short protein forms R679Q.
Identifiers: ClinVar variation 845281 (VCV000845281.5), dbSNP rs767422655, ClinGen allele CA6153831.